The following is an entry in ClinVar:

NM_000051.4(ATM):c.8585-229A>T

Genes: ATM (ATM serine/threonine kinase; plus strand), C11orf65 (chromosome 11 open reading frame 65; minus strand). Cytogenetic location: 11q22.3.
Variant type: single nucleotide variant.
Coding change: c.8585-229A>T on transcript NM_000051.4 (MANE Select); 229 bases into the intron before coding-DNA position 8585, A replaced by T.
Molecular consequence: intron variant.
Genome position (GRCh38, 1-based): chr11:108,347,050, A>T. VCF-style: chr11-108347050-A-T. GRCh37 (hg19) VCF-style: chr11-108217777-A-T.
Other names: c.8585-229A>T (NM_001351834.2); c.641-37979T>A (NM_001330368.2); c.695-11758T>A (NM_001351110.2).
Identifiers: ClinVar variation 679746 (VCV000679746.3), dbSNP rs55923051, ClinGen allele CA228368092.

ClinVar aggregate classification (germline): Benign (1 of 4 stars; one submission).

Allele frequency attached by ClinVar (database versions not stated): TOPMed 0.01955; 1000 Genomes Project 0.01697; gnomAD 0.01859 and 0.01707.
gnomAD v4.1: 2,573 of 152,200 alleles (1.7%); highest among the groups gnomAD compares: African/African-American, 5.8%; 66 homozygotes.

Submission:

GeneDx
Classification: Benign. Last evaluated: 2018-06-18. Review status: criteria provided, single submitter. Criteria: GeneDx Variant Classification (06012015). Collection method: clinical testing. Allele origin: germline. Affected: yes.
Comment: This variant is considered likely benign or benign based on one or more of the following criteria: it is a conservative change, it occurs at a poorly conserved position in the protein, it is predicted to be benign by multiple in silico algorithms, and/or has population frequency not consistent with disease.